The following is an entry in ClinVar:

NM_014956.5(CEP164):c.1117T>C (p.Ser373Pro)

Gene: CEP164 (centrosomal protein 164; plus strand). Cytogenetic location: 11q23.3.
Variant type: single nucleotide variant.
Coding change: c.1117T>C on transcript NM_014956.5 (MANE Select); coding-DNA position 1117, T replaced by C.
Protein change: p.Ser373Pro; replaces serine 373 with proline.
Molecular consequence: missense variant.
Genome position (GRCh38, 1-based): chr11:117,371,431, T>C. VCF-style: chr11-117371431-T-C. GRCh37 (hg19) VCF-style: chr11-117242147-T-C.
Other names: c.1117T>C, p.Ser373Pro (NM_001271933.2); short protein forms S373P.
Identifiers: ClinVar variation 1349737 (VCV001349737.8), dbSNP rs2042181037, ClinGen allele CA382738059.

ClinVar aggregate classification (germline): Uncertain significance (1 of 4 stars; one submission).

Conditions:
Nephronophthisis 15 (NPHP15). Identifiers: Orphanet 3156, MedGen C3541853, MONDO:0013917, OMIM 614845.

Allele frequency attached by ClinVar (database versions not stated): TOPMed below 0.00001.

Submission:

Labcorp Genetics (formerly Invitae), Labcorp
Classification: Uncertain significance for Nephronophthisis 15. Last evaluated: 2021-06-16. Review status: criteria provided, single submitter. Criteria: Invitae Variant Classification Sherloc (09022015). Collection method: clinical testing. Allele origin: germline.
Comment: In summary, the available evidence is currently insufficient to determine the role of this variant in disease. Therefore, it has been classified as a Variant of Uncertain Significance. Algorithms developed to predict the effect of missense changes on protein structure and function output the following: SIFT: "Deleterious"; PolyPhen-2: "Benign"; Align-GVGD: "Class C0". The proline amino acid residue is found in multiple mammalian species, suggesting that this missense change does not adversely affect protein function. These predictions have not been confirmed by published functional studies and their clinical significance is uncertain. This variant has not been reported in the literature in individuals with CEP164-related conditions. This variant is not present in population databases (ExAC no frequency). This sequence change replaces serine with proline at codon 373 of the CEP164 protein (p.Ser373Pro). The serine residue is highly conserved and there is a moderate physicochemical difference between serine and proline.